The following is an entry in ClinVar:

ClinVar aggregate classification (germline): Pathogenic. Review status: criteria provided, multiple submitters, no conflicts (2 of 4 stars). 2 submissions from 2 submitters: Pathogenic (2). Last evaluated 2025-06-15.

Conditions:
Tyrosinase-positive oculocutaneous albinism (OCA2). Also called: ALBINISM II; Albinism, oculocutaneous, type II; Oculocutaneous albinism type 2. Identifiers: Orphanet 79432, MedGen C0268495, MONDO:0008746, OMIM 203200.

Allele frequency attached by ClinVar (database versions not stated): gnomAD exomes below 0.00001.
gnomAD v4.1: 3 of 1,614,192 alleles (0.00019%); highest among the groups gnomAD compares: Non-Finnish European, 0.00025%; no homozygotes.

Submissions (2):

Myriad Genetics, Inc.
Classification: Pathogenic for Tyrosinase-positive oculocutaneous albinism. Last evaluated: 2025-06-15. Review status: criteria provided, single submitter. Criteria: Myriad Autosomal Dominant, Autosomal Recessive and X-Linked Classification Criteria (2023). Collection method: clinical testing. Allele origin: unknown.
Comment: NM_000275.2(OCA2):c.925C>T(Q309*) is expected to be pathogenic in the context of oculocutaneous albinism, OCA2-related. This variant is predicted to lead to an abnormal or absent protein product due to the creation of a premature termination codon in OCA2, a gene where loss-of-function variants are known to be pathogenic. Please note: this variant was assessed in the context of healthy population screening.

Labcorp Genetics (formerly Invitae), Labcorp
Classification: Pathogenic. Last evaluated: 2023-05-19. Review status: criteria provided, single submitter. Criteria: Invitae Variant Classification Sherloc (09022015). Collection method: clinical testing. Allele origin: germline.
Comment: For these reasons, this variant has been classified as Pathogenic. This variant has not been reported in the literature in individuals affected with OCA2-related conditions. This variant is not present in population databases (gnomAD no frequency). This sequence change creates a premature translational stop signal (p.Gln309*) in the OCA2 gene. It is expected to result in an absent or disrupted protein product. Loss-of-function variants in OCA2 are known to be pathogenic (PMID: 19865097, 21541274).

Literature cited by the submitters: PubMed 19865097 (cited by Labcorp Genetics (formerly Invitae), Labcorp); PubMed 21541274 (cited by Labcorp Genetics (formerly Invitae), Labcorp).

NM_000275.3(OCA2):c.925C>T (p.Gln309Ter)

Gene: OCA2 (OCA2 melanosomal transmembrane protein; minus strand). Cytogenetic location: 15q13.1.
Variant type: single nucleotide variant.
Coding change: c.925C>T on transcript NM_000275.3 (MANE Select); coding-DNA position 925, C replaced by T.
Protein change: p.Gln309Ter; replaces glutamine 309 with a stop codon.
Molecular consequence: nonsense.
Genome position (GRCh38, 1-based): chr15:28,014,895, G>A on the plus strand (C>T on the coding strand, the complement: OCA2 is on the minus strand). VCF-style: chr15-28014895-G-A. GRCh37 (hg19) VCF-style: chr15-28260041-G-A.
Other names: c.925C>T, p.Gln309Ter (NM_001300984.2); short protein forms Q309*.
Identifiers: ClinVar variation 2865791 (VCV002865791.4), dbSNP rs2042342323, ClinGen allele CA391365048.